The following is an entry in ClinVar:

NM_004333.6(BRAF):c.439A>G (p.Ser147Gly)

Gene: BRAF (B-Raf proto-oncogene, serine/threonine kinase; minus strand). Cytogenetic location: 7q34.
Variant type: single nucleotide variant.
Coding change: c.439A>G on transcript NM_004333.6 (MANE Select); coding-DNA position 439, A replaced by G.
Protein change: p.Ser147Gly; replaces serine 147 with glycine.
Molecular consequence: missense variant. On other transcripts: intron variant (1).
Genome position (GRCh38, 1-based): chr7:140,834,674, T>C on the plus strand (A>G on the coding strand, the complement: BRAF is on the minus strand). VCF-style: chr7-140834674-T-C. GRCh37 (hg19) VCF-style: chr7-140534474-T-C.
Other names: p.S147G:AGC>GGC; c.439A>G, p.Ser147Gly (NM_001354609.2, NM_001374244.1, NM_001374258.1 and 5 more transcripts); c.337A>G, p.Ser113Gly (NM_001378470.1); c.283A>G, p.Ser95Gly (NM_001378472.1, NM_001378473.1); c.240+15437A>G (NM_001378475.1); short protein forms S147G, S113G, S95G.
Identifiers: ClinVar variation 40343 (VCV000040343.6), dbSNP rs397507464, ClinGen allele CA281948.

ClinVar aggregate classification (germline): Conflicting classifications of pathogenicity. Review status: criteria provided, conflicting classifications (1 of 4 stars). 2 submissions from 2 submitters: Uncertain significance (1); Likely benign (1). Last evaluated 2024-02-02.

Conditions:
RASopathy. Also called: rasopathies; Noonan spectrum disorder. Identifiers: Orphanet 536391, MedGen C5555857, MONDO:0021060.

Allele frequency attached by ClinVar (database versions not stated): TOPMed below 0.00001; gnomAD 0.00001.
gnomAD v4.1: 1 of 1,614,050 alleles (0.000062%); highest among the groups gnomAD compares: African/African-American, 0.0013%; no homozygotes.

Submissions (2):

Labcorp Genetics (formerly Invitae), Labcorp
Classification: Uncertain significance for RASopathy. Last evaluated: 2024-02-02. Review status: criteria provided, single submitter. Criteria: Invitae Variant Classification Sherloc (09022015). Collection method: clinical testing. Allele origin: germline.
Comment: This sequence change replaces serine, which is neutral and polar, with glycine, which is neutral and non-polar, at codon 147 of the BRAF protein (p.Ser147Gly). This variant is present in population databases (rs397507464, gnomAD 0.01%). This variant has not been reported in the literature in individuals affected with BRAF-related conditions. ClinVar contains an entry for this variant (Variation ID: 40343). Advanced modeling performed at Invitae incorporating data from internal and/or published experimental studies (Invitae) indicates that this missense variant is not expected to disrupt BRAF function with a negative predictive value of 95%. In summary, the available evidence is currently insufficient to determine the role of this variant in disease. Therefore, it has been classified as a Variant of Uncertain Significance.

GeneDx
Classification: Likely benign. Last evaluated: 2011-12-29. Review status: criteria provided, single submitter. Criteria: GeneDx Variant Classification (06012015). Collection method: clinical testing. Allele origin: germline. Affected: yes.
Comment: This variant is considered likely benign or benign based on one or more of the following criteria: it is a conservative change, it occurs at a poorly conserved position in the protein, it is predicted to be benign by multiple in silico algorithms, and/or has population frequency not consistent with disease.